The following is an entry in ClinVar:

NM_004415.4(DSP):c.4750G>A (p.Ala1584Thr)

Gene: DSP (desmoplakin; plus strand). Cytogenetic location: 6p24.3.
Variant type: single nucleotide variant.
Coding change: c.4750G>A on transcript NM_004415.4 (MANE Select); coding-DNA position 4750, G replaced by A.
Protein change: p.Ala1584Thr; replaces alanine 1584 with threonine.
Molecular consequence: missense variant. On other transcripts: intron variant (2).
Genome position (GRCh38, 1-based): chr6:7,580,940, G>A. VCF-style: chr6-7580940-G-A. GRCh37 (hg19) VCF-style: chr6-7581173-G-A.
Other names: p.A1584T:GCG>ACG; c.4050+700G>A (NM_001319034.2); c.3582+1168G>A (NM_001008844.3); c.4750G>A (NM_004415.3); short protein forms A1584T.
Identifiers: ClinVar variation 44921 (VCV000044921.24), dbSNP rs191778417, ClinGen allele CA004158.

ClinVar aggregate classification (germline): Likely benign. Review status: criteria provided, multiple submitters, no conflicts (2 of 4 stars). 9 submissions from 9 submitters: Likely benign (9). Last evaluated 2025-12-18.

Conditions:
DSP-related disorder. Also called: DSP-related condition; DSP-related disorders.
Cardiovascular phenotype. Identifiers: MedGen CN230736.
Arrhythmogenic right ventricular dysplasia 8 (ARVD8). Also called: Arrhythmogenic Right Ventricular Dysplasia/Cardiomyopathy 8; ARRHYTHMOGENIC RIGHT VENTRICULAR DYSPLASIA, FAMILIAL, 8; ARRHYTHMOGENIC RIGHT VENTRICULAR CARDIOMYOPATHY 8. Identifiers: MedGen C1843896, MONDO:0011831, OMIM 607450.
Arrhythmogenic cardiomyopathy with wooly hair and keratoderma. Also called: Carvajal syndrome; Dilated cardiomyopathy with woolly hair and keratoderma; PALMOPLANTAR KERATODERMA WITH LEFT VENTRICULAR CARDIOMYOPATHY AND WOOLLY HAIR; Arrhythmogenic cardiomyopathy with woolly hair and keratoderma. Identifiers: Orphanet 65282, MedGen C1854063, MONDO:0011581, OMIM 605676.
Cardiomyopathy (CMYO). Also called: Cardiomyopathies. Identifiers: Orphanet 167848, MedGen C0878544, MONDO:0004994, HP:0001638. Inheritance: Various modes of inheritance.

Allele frequency attached by ClinVar (database versions not stated): gnomAD 0.00009 and 0.00010; 1000 Genomes Project 0.00060; TOPMed 0.00014; 1000 Genomes Project 30x 0.00047.
gnomAD v4.1: 103 of 1,614,078 alleles (0.0064%); highest among the groups gnomAD compares: East Asian, 0.15%; no homozygotes.

Submissions (9):

Labcorp Genetics (formerly Invitae), Labcorp
Classification: Likely benign for Arrhythmogenic cardiomyopathy with wooly hair and keratoderma; Arrhythmogenic right ventricular dysplasia 8. Last evaluated: 2025-12-18. Review status: criteria provided, single submitter. Criteria: Invitae Variant Classification Sherloc (09022015). Collection method: clinical testing. Allele origin: germline.

PreventionGenetics, part of Exact Sciences
Classification: Likely benign for DSP-related condition. Last evaluated: 2025-11-26. Review status: criteria provided, single submitter. Criteria: ACMG Guidelines, 2015. Collection method: clinical testing. Allele origin: germline.
Comment: This variant is classified as likely benign based on ACMG/AMP sequence variant interpretation guidelines (Richards et al. 2015 PMID: 25741868, with internal and published modifications).

Molecular Diagnostic Laboratory for Inherited Cardiovascular Disease, Montreal Heart Institute
Classification: Likely benign. Last evaluated: 2025-02-17. Review status: criteria provided, single submitter. Criteria: ACMG Guidelines, 2015. Collection method: clinical testing. Allele origin: germline. Affected: no.

Blueprint Genetics
Classification: Likely benign. Last evaluated: 2024-10-25. Review status: criteria provided, single submitter. Criteria: ACMG Guidelines, 2015. Collection method: clinical testing. Allele origin: germline.

Color Diagnostics, LLC DBA Color Health
Classification: Likely benign for Cardiomyopathy. Last evaluated: 2018-10-03. Review status: criteria provided, single submitter. Criteria: ACMG Guidelines, 2015. Collection method: clinical testing. Allele origin: germline.

Ambry Genetics
Classification: Likely benign for Cardiovascular phenotype. Last evaluated: 2017-04-10. Review status: criteria provided, single submitter. Criteria: Ambry Variant Classification Scheme 2023. Collection method: clinical testing. Allele origin: germline.

GeneDx
Classification: Likely benign. Last evaluated: 2016-03-11. Review status: criteria provided, single submitter. Criteria: GeneDx Variant Classification (06012015). Collection method: clinical testing. Allele origin: germline. Affected: yes.
Comment: This variant is considered likely benign or benign based on one or more of the following criteria: it is a conservative change, it occurs at a poorly conserved position in the protein, it is predicted to be benign by multiple in silico algorithms, and/or has population frequency not consistent with disease.

Laboratory for Molecular Medicine, Mass General Brigham Personalized Medicine
Classification: Likely benign. Last evaluated: 2015-03-23. Review status: criteria provided, single submitter. Criteria: LMM Criteria. Collection method: clinical testing. Allele origin: germline. Observed: 3 variant alleles.
Comment: p.Ala1584Thr in exon 23 of DSP: This variant is not expected to have clinical si gnificance because it has been identified in 0.4% (31/8584) of East Asian chromo somes by the Exome Aggregation Consortium (ExAC; dbSNP rs191778417).

Biesecker Lab/Clinical Genomics Section, National Institutes of Health
Classification: Likely benign. Last evaluated: 2013-06-24. Review status: criteria provided, single submitter. Criteria: Ng et al. (Circ Cardiovasc Genet. 2013). Collection method: research. Allele origin: unknown. Observed: 2 variant alleles. Study: ClinSeq.
Comment: The study set was not selected for affection status in relation to any cancer. Pathogenicity categories were based on literature curation. See Pubmed ID:23861362 for details.

Medical sequencing